The following is an entry in ClinVar:

NM_001382391.1(CSPP1):c.2491C>T (p.Leu831Phe)

Gene: CSPP1 (centrosome and spindle pole associated protein 1; plus strand). Cytogenetic location: 8q13.2.
Variant type: single nucleotide variant.
Coding change: c.2491C>T on transcript NM_001382391.1 (MANE Select); coding-DNA position 2491, C replaced by T.
Protein change: p.Leu831Phe; replaces leucine 831 with phenylalanine.
Molecular consequence: missense variant.
Genome position (GRCh38, 1-based): chr8:67,159,090, C>T. VCF-style: chr8-67159090-C-T. GRCh37 (hg19) VCF-style: chr8-68071325-C-T.
Other names: c.2410C>T, p.Leu804Phe (NM_001363131.2); c.2296C>T, p.Leu766Phe (NM_001363132.2); c.2215C>T, p.Leu739Phe (NM_001363133.2); c.2557C>T, p.Leu853Phe (NM_001364869.1); c.2377C>T, p.Leu793Phe (NM_001364870.1); c.2476C>T, p.Leu826Phe (NM_024790.7); c.1441C>T, p.Leu481Phe (NM_001291339.2); short protein forms L739F, L793F, L804F, L766F, L853F, L481F, L831F, L826F.
Identifiers: ClinVar variation 1993477 (VCV001993477.4), dbSNP rs2489719842, ClinGen allele CA371190309.

ClinVar aggregate classification (germline): Uncertain significance (1 of 4 stars; one submission).

Conditions:
Joubert syndrome 21 (JBTS21). Identifiers: MedGen C3810212, MONDO:0014288, OMIM 615636.

Allele frequency attached by ClinVar (database versions not stated): gnomAD exomes below 0.00001.
gnomAD v4.1: 3 of 1,611,086 alleles (0.00019%); highest among the groups gnomAD compares: Non-Finnish European, 0.00025%; no homozygotes.

Submission:

Labcorp Genetics (formerly Invitae), Labcorp
Classification: Uncertain significance for Joubert syndrome 21. Last evaluated: 2024-10-07. Review status: criteria provided, single submitter. Criteria: Invitae Variant Classification Sherloc (09022015). Collection method: clinical testing. Allele origin: germline.
Comment: This sequence change replaces leucine, which is neutral and non-polar, with phenylalanine, which is neutral and non-polar, at codon 826 of the CSPP1 protein (p.Leu826Phe). This variant is not present in population databases (gnomAD no frequency). This variant has not been reported in the literature in individuals affected with CSPP1-related conditions. ClinVar contains an entry for this variant (Variation ID: 1993477). An algorithm developed to predict the effect of missense changes on protein structure and function (PolyPhen-2) suggests that this variant is likely to be disruptive. In summary, the available evidence is currently insufficient to determine the role of this variant in disease. Therefore, it has been classified as a Variant of Uncertain Significance.